The following continues an entry in ClinVar:

NM_001127701.1(SERPINA1):c.863A>T (p.Glu288Val)

Gene: SERPINA1. ClinVar aggregate classification (germline): Pathogenic/Pathogenic, low penetrance; other. Pathogenic (22); Pathogenic, low penetrance (1).

Submissions 23 to 45 of 54:

Knight Diagnostic Laboratories, Oregon Health and Sciences University
Classification: Pathogenic for Alpha-1-antitrypsin deficiency. Last evaluated: 2016-03-30. Review status: criteria provided, single submitter. Criteria: ACMG Guidelines, 2015. Collection method: clinical testing. Allele origin: germline. Affected: no. Study: CSER-NextGen.
Comment: The variant c.863A>T (p.Glu288Val) is also called the â€œSâ€ allele and, together with the â€œZâ€ allele, represent the most common disease-causing variants in alpha1-Antitrypsin. The S allele has been shown to cause reduced cellular secretion of alpha 1AT because the newly synthesized S-type alpha 1AT protein is degraded intracellularly prior to secretion (Curiel et al., 1989). This variant has been well studied in the literature and is predicted pathogenic by multiple computational algorithms. In summary, this variant meets our criteria for pathogenic, but only in combination with the Z allele. The SS homozygous genotype is not reported to be associated with disease, and thus, does not warrant prenatal diagnosis. The S allele is only concerning when in combination with the Z allele (GeneReviews: Stoller et al.).

UNC Molecular Genetics  Laboratory, University of North Carolina at Chapel Hill
Classification: Pathogenic for Alpha-1-antitrypsin deficiency. Review status: criteria provided, single submitter. Criteria: ACMG Guidelines, 2015. Collection method: research. Allele origin: germline. Affected: no. Observed: 4 variant alleles. Study: NSIGHT-NC NEXUS.
Comment: The SERPINA1 c.863A>T, (p.E288V) variant (also known as the S allele) is seen in 2.3% of the human population (gnomAD). This allele is reported to be pathogenic, which results in a deficient protein. Alpha-1 antitrypsin deficiency typically manifests clinically when the S allele is seen in the compound heterozygous state with another pathogenic allele (i.e. the Z allele) (PMID: 20301692).

carrier finding

Pneumogenomics Laboratory, Instituto Nacional de Enfermedades Respiratorias Ismael Cosio Villegas
Classification: other for Susceptibility to severe coronavirus disease (COVID-19). Last evaluated: 2022-05-13. Review status: no assertion criteria provided. Collection method: research. Allele origin: germline. Affected: yes. Not counted in ClinVar's aggregate classification.
Comment: Susceptibility to severe coronavirus disease (COVID-19)

Center for Computational Genomics and Data Science, University of Alabama
Classification: risk factor for Cystic fibrosis. Last evaluated: 2019-04-01. Review status: no assertion criteria provided. Collection method: research. Allele origin: germline. Affected: yes. Observed: 2 variant alleles, 2 heterozygotes. Not counted in ClinVar's aggregate classification.

Division of Human Genetics, Children's Hospital of Philadelphia
Classification: Pathogenic for Alpha-1-antitrypsin deficiency. Last evaluated: 2016-06-10. Review status: no assertion criteria provided. Collection method: research. Allele origin: germline. Study: CSER-PediSeq. Not counted in ClinVar's aggregate classification.

Department of Laboratory Medicine and Genetics, Trillium Health Partners Credit Valley Hospital
Classification: Pathogenic for Alpha-1-antitrypsin deficiency. Last evaluated: 2014-12-08. Review status: no assertion criteria provided. Collection method: clinical testing. Allele origin: germline. Affected: yes. Not counted in ClinVar's aggregate classification.

CSER _CC_NCGL, University of Washington
Classification: Pathogenic for Antitrypsin alpha 1 deficiency. Last evaluated: 2014-06-01. Review status: no assertion criteria provided. Collection method: research. Allele origin: germline. Inheritance: Autosomal recessive inheritance. Study: ESP 6500 variant annotation. Not counted in ClinVar's aggregate classification.
Comment: Variants classified for the Actionable exomic incidental findings in 6503 participants: challenges of variant classification manuscript

OMIM
Classification: other for PI S. Last evaluated: 1989-06-25. Review status: no assertion criteria provided. Collection method: literature only. Allele origin: germline. Not counted in ClinVar's aggregate classification.

Clinical Genetics DNA and cytogenetics Diagnostics Lab, Erasmus MC, Erasmus Medical Center
Classification: Pathogenic. Review status: no assertion criteria provided. Collection method: clinical testing. Allele origin: germline. Affected: yes. Study: VKGL Data-share Consensus. Not counted in ClinVar's aggregate classification.

Department of Pathology and Laboratory Medicine, Sinai Health System
Classification: Pathogenic. Review status: no assertion criteria provided. Collection method: clinical testing. Allele origin: unknown. Affected: yes. Study: The Canadian Open Genetics Repository (COGR). Not counted in ClinVar's aggregate classification.
Comment: The SERPINA1 p.Glu288Val variant, also known as the S allele, is a common variant known to be associated with alpha-1 antitrypsin deficiency, which can result in increased risk for emphysema and COPD when found in the compound heterozygous state with another pathogenic SERPINA1 variant. The variant was identified in dbSNP (ID: rs17580), LOVD 3.0 (classified as pathogenic) and ClinVar (classified as pathogenic by 11 submitters). The variant was identified in control databases in 6606 of 282868 chromosomes (143 homozygous) at a frequency of 0.023354 (Genome Aggregation Database Feb 27, 2017). The variant was observed in the following populations: European (non-Finnish) in 4738 of 129176 chromosomes (freq: 0.03668), Other in 236 of 7222 chromosomes (freq: 0.03268), Latino in 1074 of 35440 chromosomes (freq: 0.0303), Ashkenazi Jewish in 144 of 10370 chromosomes (freq: 0.01389), European (Finnish) in 210 of 25122 chromosomes (freq: 0.008359), African in 203 of 24968 chromosomes (freq: 0.00813) and East Asian in 1 of 19954 chromosomes (freq: 0.00005); it was not observed in the South Asian population. This variant is reported to confer an emphysema risk by 20-50% in individuals when present with a pathogenic Z allele (p.Glu366Lys) but does not confer risk when present as a homozygote or heterozygote (Brantly_1991_PMID:1889260, Stoller_1995_PMID:15978931, de Serres_2012_PMID:22933512, Bornhorst_2013_PMID:23632999). In a meta-analysis aggregating data from six studies, the odds ratio (OR) for COPD in PI SZ compound heterozygotes compared with PI MM (normal) individuals was significantly increased (Dahl_2005_PMID: 15994391). The p.Glu288 residue is conserved in mammals and computational analyses (PolyPhen-2, SIFT, AlignGVGD, BLOSUM, MutationTaster) provide inconsistent predictions regarding the impact to the protein. The variant occurs outside of the splicing consensus sequence however 4 of 4 in silico or computational prediction software programs (SpliceSiteFinder, MaxEntScan, NNSPLICE, GeneSplicer) predict the creation of a new 5' splice site, however RNA analysis has not confirmed this. Functional studies of the variant have shown to cause reduced secretion of alpha-1 antitrypsin due to intracellular degradation in vitro and to cause lower expression as well as secretion of alpha-1 antitrypsin in blood samples (Curiel_1989_PMID: 2567291; Ferraroti_2012_PMID:22426792). In summary, based on the above information this variant meets our laboratoryâ€šÃ„Ã´s criteria to be classified as pathogenic.

Dr. Peter K. Rogan Lab, Western University
No classification provided (evidence only). Condition: Colorectal cancer. Review status: no classification provided. Collection method: in vitro. Allele origin: not applicable. Functional consequence: retained intron. Not counted in ClinVar's aggregate classification.

Dr. Peter K. Rogan Lab, Western University
No classification provided (evidence only). Condition: Uterine corpus endometrial carcinoma. Review status: no classification provided. Collection method: in vitro. Allele origin: not applicable. Functional consequence: retained intron. Not counted in ClinVar's aggregate classification.

Dr. Peter K. Rogan Lab, Western University
No classification provided (evidence only). Condition: Uterine corpus endometrial carcinoma. Review status: no classification provided. Collection method: in vitro. Allele origin: not applicable. Functional consequence: retained intron. Not counted in ClinVar's aggregate classification.

Dr. Peter K. Rogan Lab, Western University
No classification provided (evidence only). Condition: Sarcoma. Review status: no classification provided. Collection method: in vitro. Allele origin: not applicable. Functional consequence: retained intron. Not counted in ClinVar's aggregate classification.

Dr. Peter K. Rogan Lab, Western University
No classification provided (evidence only). Condition: Hepatocellular carcinoma. Review status: no classification provided. Collection method: in vitro. Allele origin: not applicable. Functional consequence: skipped exon. Not counted in ClinVar's aggregate classification.

Dr. Peter K. Rogan Lab, Western University
No classification provided (evidence only). Condition: Nonpapillary renal cell carcinoma. Review status: no classification provided. Collection method: in vitro. Allele origin: not applicable. Functional consequence: retained intron. Not counted in ClinVar's aggregate classification.

Dr. Peter K. Rogan Lab, Western University
No classification provided (evidence only). Condition: Cholangiocarcinoma. Review status: no classification provided. Collection method: in vitro. Allele origin: not applicable. Functional consequence: retained intron. Not counted in ClinVar's aggregate classification.

Dr. Peter K. Rogan Lab, Western University
No classification provided (evidence only). Condition: Gastric cancer. Review status: no classification provided. Collection method: in vitro. Allele origin: not applicable. Functional consequence: retained intron. Not counted in ClinVar's aggregate classification.

Dr. Peter K. Rogan Lab, Western University
No classification provided (evidence only). Condition: Gastric cancer. Review status: no classification provided. Collection method: in vitro. Allele origin: not applicable. Functional consequence: retained intron. Not counted in ClinVar's aggregate classification.

Dr. Peter K. Rogan Lab, Western University
No classification provided (evidence only). Condition: Gastric cancer. Review status: no classification provided. Collection method: in vitro. Allele origin: not applicable. Functional consequence: retained intron. Not counted in ClinVar's aggregate classification.

Dr. Peter K. Rogan Lab, Western University
No classification provided (evidence only). Condition: Gastric cancer. Review status: no classification provided. Collection method: in vitro. Allele origin: not applicable. Functional consequence: retained intron. Not counted in ClinVar's aggregate classification.

Dr. Peter K. Rogan Lab, Western University
No classification provided (evidence only). Condition: Gastric cancer. Review status: no classification provided. Collection method: in vitro. Allele origin: not applicable. Functional consequence: retained intron. Not counted in ClinVar's aggregate classification.

Dr. Peter K. Rogan Lab, Western University
No classification provided (evidence only). Condition: Gastric cancer. Review status: no classification provided. Collection method: in vitro. Allele origin: not applicable. Functional consequence: retained intron. Not counted in ClinVar's aggregate classification.